The following is an entry in ClinVar:

ClinVar aggregate classification (germline): Likely benign (1 of 4 stars; one submission).

Allele frequency attached by ClinVar (database versions not stated): ESP Exome Variant Server 0.00008.
gnomAD v4.1: 32 of 1,613,676 alleles (0.002%); highest among the groups gnomAD compares: Middle Eastern, 0.016%; no homozygotes.

Submission:

CeGaT Center for Human Genetics Tuebingen
Classification: Likely benign. Last evaluated: 2023-02-01. Review status: criteria provided, single submitter. Criteria: CeGaT Center For Human Genetics Tuebingen Variant Classification Criteria Version 2. Collection method: clinical testing. Allele origin: germline. Affected: yes. Observed: 1 variant allele.
Comment: L3MBTL2: BP4, BP7

NM_031488.5(L3MBTL2):c.2088C>T (p.Val696=)

Genes: CHADL (chondroadherin like; minus strand), L3MBTL2 (L3MBTL histone methyl-lysine binding protein 2; plus strand). Cytogenetic location: 22q13.2.
Variant type: single nucleotide variant.
Coding change: c.2088C>T on transcript NM_031488.5 (MANE Select); coding-DNA position 2088, C replaced by T.
Protein change: p.Val696=; no amino-acid change (valine 696 retained).
Molecular consequence: synonymous variant. On other transcripts: intron variant (1).
Genome position (GRCh38, 1-based): chr22:41,230,221, C>T. VCF-style: chr22-41230221-C-T. GRCh37 (hg19) VCF-style: chr22-41626225-C-T.
Other names: c.2263-491G>A (NM_138481.2).
Identifiers: ClinVar variation 2653221 (VCV002653221.24), dbSNP rs145649779, ClinGen allele CA324571357.